The following is an entry in ClinVar:

ClinVar aggregate classification (germline): Uncertain significance (1 of 4 stars; one submission).

Conditions:
Galactosylceramide beta-galactosidase deficiency. Also called: GALACTOCEREBROSIDASE DEFICIENCY; GALC DEFICIENCY; GLOBOID CELL LEUKOENCEPHALOPATHY; Krabbe Disease; Leukodystrophy, Globoid Cell. Identifiers: Orphanet 487, MedGen C0023521, MONDO:0009499, OMIM 245200.

Submission:

Labcorp Genetics (formerly Invitae), Labcorp
Classification: Uncertain significance for Galactosylceramide beta-galactosidase deficiency. Last evaluated: 2023-04-05. Review status: criteria provided, single submitter. Criteria: Invitae Variant Classification Sherloc (09022015). Collection method: clinical testing. Allele origin: germline.
Comment: This sequence change replaces leucine, which is neutral and non-polar, with histidine, which is basic and polar, at codon 447 of the GALC protein (p.Leu447His). Information on the frequency of this variant in the gnomAD database is not available, as this variant may be reported differently in the database. This variant has not been reported in the literature in individuals affected with GALC-related conditions. ClinVar contains an entry for this variant (Variation ID: 2106510). An algorithm developed to predict the effect of missense changes on protein structure and function (PolyPhen-2) suggests that this variant is likely to be disruptive. In summary, the available evidence is currently insufficient to determine the role of this variant in disease. Therefore, it has been classified as a Variant of Uncertain Significance.

NM_000153.4(GALC):c.1340_1341delinsAT (p.Leu447His)

Gene: GALC (galactosylceramidase; minus strand). Cytogenetic location: 14q31.3.
Variant type: Indel.
Coding change: c.1340_1341delinsAT on transcript NM_000153.4 (MANE Select); coding-DNA positions 1340 to 1341, TC replaced by AT.
Protein change: p.Leu447His; replaces leucine 447 with histidine.
Molecular consequence: missense variant.
Genome position (GRCh38, 1-based): chr14:87,947,876-87,947,877, GA replaced by AT on the plus strand (TC replaced by AT on the coding strand, the reverse complement: GALC is on the minus strand). VCF-style: chr14-87947876-GA-AT. GRCh37 (hg19) VCF-style: chr14-88414220-GA-AT.
Other names: c.1271_1272delinsAT, p.Leu424His (NM_001201401.2); c.1262_1263delinsAT, p.Leu421His (NM_001201402.2); short protein forms L447H, L421H, L424H.
Identifiers: ClinVar variation 2106510 (VCV002106510.4), dbSNP rs2503363731, ClinGen allele CA2580088872.